The following is an entry in ClinVar:

ClinVar aggregate classification (germline): Uncertain significance (1 of 4 stars; one submission).

Conditions:
Congenital sensory neuropathy with selective loss of small myelinated fibers (HSAN5). Also called: HSAN Type V. Identifiers: Orphanet 64752, MedGen C0020075, MONDO:0012092, OMIM 608654.

Submission:

Labcorp Genetics (formerly Invitae), Labcorp
Classification: Uncertain significance for Congenital sensory neuropathy with selective loss of small myelinated fibers. Last evaluated: 2017-12-09. Review status: criteria provided, single submitter. Criteria: Invitae Variant Classification Sherloc (09022015). Collection method: clinical testing. Allele origin: germline.
Comment: Algorithms developed to predict the effect of missense changes on protein structure and function output the following: SIFT: "Tolerated"; PolyPhen-2: "Benign"; Align-GVGD: "Class C0". The glutamic acid amino acid residue is found in multiple mammalian species, suggesting that this missense change does not adversely affect protein function. These predictions have not been confirmed by published functional studies and their clinical significance is uncertain. This variant has not been reported in the literature in individuals with NGF-related disease. This variant is not present in population databases (ExAC no frequency). This sequence change replaces alanine with glutamic acid at codon 28 of the NGF protein (p.Ala28Glu). The alanine residue is moderately conserved and there is a moderate physicochemical difference between alanine and glutamic acid. In summary, the available evidence is currently insufficient to determine the role of this variant in disease. Therefore, it has been classified as a Variant of Uncertain Significance.

NM_002506.3(NGF):c.83C>A (p.Ala28Glu)

Genes: NGF (nerve growth factor; minus strand), NGF-AS1 (NGF antisense RNA 1; plus strand). Cytogenetic location: 1p13.2.
Variant type: single nucleotide variant.
Coding change: c.83C>A on transcript NM_002506.3 (MANE Select); coding-DNA position 83, C replaced by A.
Protein change: p.Ala28Glu; replaces alanine 28 with glutamic acid.
Molecular consequence: missense variant.
Genome position (GRCh38, 1-based): chr1:115,286,713, G>T on the plus strand (C>A on the coding strand, the complement: NGF is on the minus strand). VCF-style: chr1-115286713-G-T. GRCh37 (hg19) VCF-style: chr1-115829334-G-T.
Other names: short protein forms A28E.
Identifiers: ClinVar variation 526747 (VCV000526747.8), dbSNP rs769465872, ClinGen allele CA341837273.